The following is an entry in ClinVar:

ClinVar aggregate classification (germline): Uncertain significance (1 of 4 stars; one submission).

Conditions:
Autosomal recessive ataxia, Beauce type. Also called: ATAXIA, RECESSIVE, OF BEAUCE; Spinocerebellar ataxia, autosomal recessive 8; SYNE1-Related Autosomal Recessive Cerebellar Ataxia; SYNE1 Deficiency. Identifiers: Orphanet 88644, MedGen C1853116, MONDO:0012549, OMIM 610743.
Emery-Dreifuss muscular dystrophy 4, autosomal dominant (EDMD4). Also called: EMERY-DREIFUSS MUSCULAR DYSTROPHY 4 WITH VARIABLE FEATURES. Identifiers: Orphanet 261, MedGen C2751807, MONDO:0013071, OMIM 612998.

gnomAD v4.1: 4 of 1,613,896 alleles (0.00025%); highest among the groups gnomAD compares: African/African-American, 0.0013%; no homozygotes.

Submission:

Labcorp Genetics (formerly Invitae), Labcorp
Classification: Uncertain significance for Emery-Dreifuss muscular dystrophy 4, autosomal dominant; Autosomal recessive ataxia, Beauce type. Last evaluated: 2022-09-19. Review status: criteria provided, single submitter. Criteria: Invitae Variant Classification Sherloc (09022015). Collection method: clinical testing. Allele origin: germline.
Comment: This sequence change replaces methionine, which is neutral and non-polar, with isoleucine, which is neutral and non-polar, at codon 5608 of the SYNE1 protein (p.Met5608Ile). This variant is not present in population databases (gnomAD no frequency). This variant has not been reported in the literature in individuals affected with SYNE1-related conditions. ClinVar contains an entry for this variant (Variation ID: 1008918). Algorithms developed to predict the effect of missense changes on protein structure and function are either unavailable or do not agree on the potential impact of this missense change (SIFT: "Deleterious"; PolyPhen-2: "Probably Damaging"; Align-GVGD: "Class C0"). Algorithms developed to predict the effect of sequence changes on RNA splicing suggest that this variant may create or strengthen a splice site. In summary, the available evidence is currently insufficient to determine the role of this variant in disease. Therefore, it has been classified as a Variant of Uncertain Significance.

NM_182961.4(SYNE1):c.17037G>A (p.Met5679Ile)

Genes: SYNE1 (spectrin repeat containing nuclear envelope protein 1; minus strand), LOC126859837 (BRD4-independent group 4 enhancer GRCh37_chr6:152630775-152631974; plus strand). Cytogenetic location: 6q25.2.
Variant type: single nucleotide variant.
Coding change: c.17037G>A on transcript NM_182961.4 (MANE Select); coding-DNA position 17037, G replaced by A.
Protein change: p.Met5679Ile; replaces methionine 5679 with isoleucine.
Molecular consequence: missense variant.
Genome position (GRCh38, 1-based): chr6:152,310,000, C>T on the plus strand (G>A on the coding strand, the complement: SYNE1 is on the minus strand). VCF-style: chr6-152310000-C-T. GRCh37 (hg19) VCF-style: chr6-152631135-C-T.
Other names: c.16824G>A, p.Met5608Ile (NM_033071.5); short protein forms M5608I, M5679I.
Identifiers: ClinVar variation 1008918 (VCV001008918.9), dbSNP rs2095499163, ClinGen allele CA366107147.